The following is an entry in ClinVar:

ClinVar aggregate classification (germline): Conflicting classifications of pathogenicity. Review status: criteria provided, conflicting classifications (1 of 4 stars). 2 submissions from 2 submitters: Pathogenic (1); Uncertain significance (1). Last evaluated 2025-02-20.

Conditions:
Bethlem myopathy 1A. Also called: MYOPATHY, BENIGN CONGENITAL, WITH CONTRACTURES; Bethlem Muscular Dystrophy; Bethlem myopathy 1. Identifiers: Orphanet 610, MedGen CN029274, MONDO:0024530, OMIM 158810.

Submissions (2):

Labcorp Genetics (formerly Invitae), Labcorp
Classification: Pathogenic for Bethlem myopathy 1A. Last evaluated: 2025-02-20. Review status: criteria provided, single submitter. Criteria: Invitae Variant Classification Sherloc (09022015). Collection method: clinical testing. Allele origin: germline.
Comment: This sequence change creates a premature translational stop signal (p.Leu162Argfs*15) in the COL6A1 gene. It is expected to result in an absent or disrupted protein product. Loss-of-function variants in COL6A1 are known to be pathogenic (PMID: 19884007, 20976770). This variant is present in population databases (rs767370298, gnomAD 0.03%), including at least one homozygous and/or hemizygous individual. This variant has not been reported in the literature in individuals affected with COL6A1-related conditions. ClinVar contains an entry for this variant (Variation ID: 3370986). For these reasons, this variant has been classified as Pathogenic.

GeneDx
Classification: Uncertain significance. Last evaluated: 2024-03-29. Review status: criteria provided, single submitter. Criteria: GeneDx Variant Classification Process June 2021. Collection method: clinical testing. Allele origin: germline. Affected: yes.
Comment: Frameshift variant predicted to result in protein truncation or nonsense mediated decay in a gene for which loss of function is a known mechanism of disease; Has not been previously published as pathogenic or benign to our knowledge

Literature cited by the submitters: PubMed 19884007 (cited by Labcorp Genetics (formerly Invitae), Labcorp); PubMed 20976770 (cited by Labcorp Genetics (formerly Invitae), Labcorp).

NM_001848.3(COL6A1):c.485del (p.Leu162fs)

Gene: COL6A1 (collagen type VI alpha 1 chain; plus strand). Cytogenetic location: 21q22.3.
Variant type: Deletion.
Coding change: c.485del on transcript NM_001848.3 (MANE Select); coding-DNA position 485, one base deleted (T; older notation c.485delT).
Protein change: p.Leu162fs; shifts the reading frame from leucine 162.
Molecular consequence: frameshift variant.
Genome position (GRCh38, 1-based): chr21:45,986,582, T deleted. VCF-style (leftmost placement, unchanged base first): chr21-45986581-CT-C. GRCh37 (hg19) VCF-style: chr21-47406495-CT-C.
Other names: c.485delT, p.Leu162Argfs (NM_001848.2); short protein forms L162fs.
Identifiers: ClinVar variation 3370986 (VCV003370986.3).
Genomic context (GRCh38, chr21:45,986,581, plus strand): 5'-TCCAGGGGCTCCCACCTGAAGGAGAATAAGTACCTGATTGTGGTGACCGACGGGCACCCC[CT>C]GGAGGGCTACAAGGAACCCTGTGGGGGGCTGGAGGATGCTGTGAACGAGGCCAAGCACCT-3'